The following is an entry in ClinVar:

ClinVar aggregate classification (germline): Benign/Likely benign. Review status: criteria provided, multiple submitters, no conflicts (2 of 4 stars). 8 submissions from 8 submitters: Benign (7); Likely benign (1). Last evaluated 2026-02-04.

Conditions:
Immunodeficiency, common variable, 14. Identifiers: Orphanet 696904, MedGen C4540380, MONDO:0054691, OMIM 617765.

Allele frequency attached by ClinVar (database versions not stated): 1000 Genomes Project 30x 0.25593; 1000 Genomes Project 0.26078; ESP Exome Variant Server 0.28223; TOPMed 0.29700; gnomAD 0.30211 and 0.30254; gnomAD exomes 0.35643; ExAC 0.43519.
gnomAD v4.1: 528,724 of 1,521,876 alleles (35%); highest among the groups gnomAD compares: Middle Eastern, 38%; 94,643 homozygotes.

Submissions (8):

Labcorp Genetics (formerly Invitae), Labcorp
Classification: Benign. Last evaluated: 2026-02-04. Review status: criteria provided, single submitter. Criteria: Invitae Variant Classification Sherloc (09022015). Collection method: clinical testing. Allele origin: germline.

Women's Health and Genetics/Laboratory Corporation of America, LabCorp
Classification: Benign. Last evaluated: 2026-01-21. Review status: criteria provided, single submitter. Criteria: LabCorp Variant Classification Summary - May 2015. Collection method: clinical testing. Allele origin: germline.

Blueprint Genetics
Classification: Likely benign. Last evaluated: 2024-11-26. Review status: criteria provided, single submitter. Criteria: ACMG Guidelines, 2015. Collection method: clinical testing. Allele origin: germline.

Unidad de Genómica Garrahan, Hospital de Pediatría Garrahan
Classification: Benign. Last evaluated: 2024-01-24. Review status: criteria provided, single submitter. Criteria: ACMG Guidelines, 2015. Collection method: clinical testing. Allele origin: germline. Affected: no. Observed: 45 variant alleles.
Comment: This variant is classified as Benign based on local population frequency. This variant was detected in 47% of patients studied by a panel of primary immunodeficiencies. Number of patients: 45. Only high quality variants are reported.

Mayo Clinic Laboratories, Mayo Clinic
Classification: Benign. Last evaluated: 2022-09-06. Review status: criteria provided, single submitter. Criteria: ACMG Guidelines, 2015. Collection method: clinical testing. Allele origin: germline. Observed: 23 variant alleles.

Genome-Nilou Lab
Classification: Benign for Immunodeficiency, common variable, 14. Last evaluated: 2021-08-19. Review status: criteria provided, single submitter. Criteria: ACMG Guidelines, 2015. Collection method: clinical testing. Allele origin: germline. Affected: no.

Laboratory for Molecular Medicine, Mass General Brigham Personalized Medicine
Classification: Benign. Last evaluated: 2016-03-29. Review status: criteria provided, single submitter. Criteria: LMM Criteria. Collection method: clinical testing. Allele origin: germline.
Comment: Variant identified in a genome or exome case(s) and assessed due to predicted null impact of the variant or pathogenic assertions in the literature or databases. Disclaimer: This variant has not undergone full assessment. The following are preliminary notes: Frequency

Breakthrough Genomics
Classification: Benign. Review status: criteria provided, single submitter. Criteria: ACMG Guidelines, 2015. Collection method: not provided. Allele origin: germline. Inheritance: Autosomal dominant inheritance. Affected: yes.

NM_182972.3(IRF2BP2):c.828G>T (p.Ala276=)

Gene: IRF2BP2 (interferon regulatory factor 2 binding protein 2; minus strand). Cytogenetic location: 1q42.3.
Variant type: single nucleotide variant.
Coding change: c.828G>T on transcript NM_182972.3 (MANE Select); coding-DNA position 828, G replaced by T.
Protein change: p.Ala276=; no amino-acid change (alanine 276 retained).
Molecular consequence: synonymous variant.
Genome position (GRCh38, 1-based): chr1:234,608,667, C>A on the plus strand (G>T on the coding strand, the complement: IRF2BP2 is on the minus strand). VCF-style: chr1-234608667-C-A. GRCh37 (hg19) VCF-style: chr1-234744413-C-A.
Other names: p.Ala276=; c.828G>T, p.Ala276= (NM_001077397.1).
Identifiers: ClinVar variation 402983 (VCV000402983.19), dbSNP rs4636, ClinGen allele CA1461766.
Genomic context (GRCh38, chr1:234,608,667, plus strand): 5'-CTGCTCTCCAGACCCGCGGCTCTTGCCCGCACCTTCCGCGCTCAGCTCGGCGGCCCCGGC[C>A]GCGGTGGACAGGCTGTCGGCCGGGCCCCGGTGCGCAGGCGGCGGCGGTTGTTTCTCCTTG-3'
Protein context (NP_892017.2, residues 266-286): HRGPADSLST[Ala276=]AGAAELSAEG